The following is an entry in ClinVar:

NM_002474.3(MYH11):c.2812G>T (p.Gly938Cys)

Gene: MYH11 (myosin heavy chain 11; minus strand). Cytogenetic location: 16p13.11.
Variant type: single nucleotide variant.
Coding change: c.2812G>T on transcript NM_002474.3 (MANE Select); coding-DNA position 2812, G replaced by T.
Protein change: p.Gly938Cys; replaces glycine 938 with cysteine.
Molecular consequence: missense variant.
Genome position (GRCh38, 1-based): chr16:15,741,510, C>A on the plus strand (G>T on the coding strand, the complement: MYH11 is on the minus strand). VCF-style: chr16-15741510-C-A. GRCh37 (hg19) VCF-style: chr16-15835367-C-A.
Other names: c.2833G>T, p.Gly945Cys (NM_001040113.2, NM_001040114.2); c.2812G>T, p.Gly938Cys (NM_022844.3); short protein forms G938C, G945C.
Identifiers: ClinVar variation 3893986 (VCV003893986.1).
Genomic context (GRCh38, chr16:15,741,510, plus strand): 5'-TGTGACACCTTACCAGCATCTGCTGGGCCATCTTCTTCCTTTCAGCCTGTAGCTGCTGGC[C>A]CCTGTCTTCCTCCTCCTCCAGGCGGGCCTCCATCTCATGCAGTATCTCCTCCAGCTCCTG-3'
Protein context (NP_002465.1, residues 928-948): EARLEEEEDR[Gly938Cys]QQLQAERKKM

ClinVar aggregate classification (germline): Uncertain significance (1 of 4 stars; one submission).

Conditions:
Familial thoracic aortic aneurysm and aortic dissection (TAAD). Also called: Thoracic aortic aneurysms and dissections. Identifiers: Orphanet 91387, MedGen C4707243, MONDO:0019625.

Submission:

Color Diagnostics, LLC DBA Color Health
Classification: Uncertain significance for Familial thoracic aortic aneurysm and aortic dissection. Last evaluated: 2024-07-08. Review status: criteria provided, single submitter. Criteria: ACMG Guidelines, 2015. Collection method: clinical testing. Allele origin: germline.
Comment: This missense variant replaces glycine with cysteine at codon 945 of the MYH11 protein. Computational prediction tools indicate that this variant has a neutral impact on protein structure and function. To our knowledge, functional studies have not been reported for this variant. This variant has not been reported in individuals affected with MYH11-related disorders in the literature. This variant has not been identified in the general population by the Genome Aggregation Database (gnomAD). The available evidence is insufficient to determine the role of this variant in disease conclusively. Therefore, this variant is classified as a Variant of Uncertain Significance.